The following is an entry in ClinVar:

NM_004260.4(RECQL4):c.101C>T (p.Ala34Val)

Genes: RECQL4 (RecQ like helicase 4; minus strand), LOC130001411 (ATAC-STARR-seq lymphoblastoid silent region 19699; plus strand). Cytogenetic location: 8q24.3.
Variant type: single nucleotide variant.
Coding change: c.101C>T on transcript NM_004260.4 (MANE Select); coding-DNA position 101, C replaced by T.
Protein change: p.Ala34Val; replaces alanine 34 with valine.
Molecular consequence: missense variant. On other transcripts: 5 prime UTR variant (17), non-coding transcript variant (3), intron variant (1).
Genome position (GRCh38, 1-based): chr8:144,517,619, G>A on the plus strand (C>T on the coding strand, the complement: RECQL4 is on the minus strand). VCF-style: chr8-144517619-G-A. GRCh37 (hg19) VCF-style: chr8-145743003-G-A.
Other names: c.101C>T (NM_004260.3); c.101C>T, p.Ala34Val (NM_001413017.1, NM_001413018.1, NM_001413019.1 and 5 more transcripts); c.-620C>T (NM_001413021.1); c.-971C>T (NM_001413022.1, NM_001413023.1, NM_001413037.1 and 2 more transcripts); c.-868C>T (NM_001413024.1, NM_001413035.1); c.-1033C>T (NM_001413027.1, NM_001413030.1, NM_001413031.1 and 1 more transcripts); c.-696C>T (NM_001413028.1); c.-930C>T (NM_001413032.1); and 4 more; short protein forms A34V.
Identifiers: ClinVar variation 2916422 (VCV002916422.4), dbSNP rs2130743694, ClinGen allele CA372693448.

ClinVar aggregate classification (germline): Uncertain significance. Review status: criteria provided, multiple submitters, no conflicts (2 of 4 stars). 2 submissions from 2 submitters: Uncertain significance (2). Last evaluated 2025-12-15.

Conditions:
Inborn genetic diseases. Identifiers: MedGen C0950123, MeSH D030342.
Baller-Gerold syndrome (BGS). Also called: CRANIOSYNOSTOSIS WITH RADIAL DEFECTS. Identifiers: Orphanet 1225, MedGen C0265308, MONDO:0009039, OMIM 218600.

gnomAD v4.1: 2 of 1,486,498 alleles (0.00013%); highest among the groups gnomAD compares: African/African-American, 0.0015%; no homozygotes.

Submissions (2):

Labcorp Genetics (formerly Invitae), Labcorp
Classification: Uncertain significance for Baller-Gerold syndrome. Last evaluated: 2025-12-15. Review status: criteria provided, single submitter. Criteria: Invitae Variant Classification Sherloc (09022015). Collection method: clinical testing. Allele origin: germline.
Comment: This sequence change replaces alanine, which is neutral and non-polar, with valine, which is neutral and non-polar, at codon 34 of the RECQL4 protein (p.Ala34Val). This variant is not present in population databases (gnomAD no frequency). This variant has not been reported in the literature in individuals affected with RECQL4-related conditions. ClinVar contains an entry for this variant (Variation ID: 2916422). Experimental studies and prediction algorithms are not available or were not evaluated, and the functional significance of this variant is currently unknown. In summary, the available evidence is currently insufficient to determine the role of this variant in disease. Therefore, it has been classified as a Variant of Uncertain Significance.

Ambry Genetics
Classification: Uncertain significance for Inborn genetic diseases. Last evaluated: 2024-11-25. Review status: criteria provided, single submitter. Criteria: Ambry Variant Classification Scheme 2023. Collection method: clinical testing. Allele origin: germline.
Comment: The p.A34V variant (also known as c.101C>T), located in coding exon 2 of the RECQL4 gene, results from a C to T substitution at nucleotide position 101. The alanine at codon 34 is replaced by valine, an amino acid with similar properties. This amino acid position is conserved. In addition, the in silico prediction for this alteration is inconclusive. Based on the available evidence, the clinical significance of this variant remains unclear.